The following is an entry in ClinVar:

ClinVar aggregate classification (germline): Uncertain significance (1 of 4 stars; one submission).

Conditions:
Intellectual disability, autosomal dominant 14 (CSS2). Also called: COFFIN-SIRIS SYNDROME 2. Identifiers: Orphanet 1465, MedGen C3553247, MONDO:0013819, OMIM 614607.

Submission:

Juno Genomics, Hangzhou Juno Genomics, Inc
Classification: Uncertain significance for Intellectual disability, autosomal dominant 14. Review status: criteria provided, single submitter. Criteria: ACMG Guidelines, 2015. Collection method: clinical testing. Allele origin: germline.
Comment: Absent from controls (or at extremely low frequency if recessive) in Genome Aggregation Database.;Protein length changes due to in-frame deletions/insertions in a non-repeat region or stop-loss variants.

NM_006015.6(ARID1A):c.373_381del (p.Gly125_Gly127del)

Gene: ARID1A (AT-rich interaction domain 1A; plus strand). Cytogenetic location: 1p36.11.
Variant type: Deletion.
Coding change: c.373_381del on transcript NM_006015.6 (MANE Select); coding-DNA positions 373 to 381, 9 bases deleted (GGTGGCGGC; older notation c.373_381delGGTGGCGGC).
Protein change: p.Gly125_Gly127del.
Molecular consequence: inframe deletion.
Genome position (GRCh38, 1-based): chr1:26,696,776-26,696,784, GGTGGCGGC deleted; deleting any 9 consecutive bases within chr1:26,696,770-26,696,784 gives the same sequence; the c. name uses the placement nearest the transcript's 3' end. VCF-style (leftmost placement, unchanged base first): chr1-26696769-CGGCGGCGGT-C. GRCh37 (hg19) VCF-style: chr1-27023260-CGGCGGCGGT-C.
Other names: c.373_381del, p.Gly125_Gly127del (NM_139135.4).
Identifiers: ClinVar variation 5006465 (VCV005006465.2).